The following is an entry in ClinVar:

NM_001164462.2(MUC12):c.1467C>G (p.Leu489=)

Gene: MUC12 (mucin 12, cell surface associated; plus strand). Cytogenetic location: 7q22.1.
Variant type: single nucleotide variant.
Coding change: c.1467C>G on transcript NM_001164462.2 (MANE Select); coding-DNA position 1467, C replaced by G.
Protein change: p.Leu489=; no amino-acid change (leucine 489 retained).
Molecular consequence: synonymous variant.
Genome position (GRCh38, 1-based): chr7:100,992,030, C>G. VCF-style: chr7-100992030-C-G. GRCh37 (hg19) VCF-style: chr7-100635311-C-G.
Identifiers: ClinVar variation 2657799 (VCV002657799.24), dbSNP rs199890519, ClinGen allele CA4399092.

ClinVar aggregate classification (germline): Likely benign (1 of 4 stars; one submission).

Allele frequency attached by ClinVar (database versions not stated): ExAC 0.00363; gnomAD 0.00056; gnomAD exomes 0.00081; 1000 Genomes Project 30x 0.00203; 1000 Genomes Project 0.00220.

Submission:

CeGaT Center for Human Genetics Tuebingen
Classification: Likely benign. Last evaluated: 2024-07-01. Review status: criteria provided, single submitter. Criteria: CeGaT Center For Human Genetics Tuebingen Variant Classification Criteria Version 2. Collection method: clinical testing. Allele origin: germline. Affected: yes. Observed: 2 variant alleles.
Comment: MUC12: BP4, BP7